The following is an entry in ClinVar:

ClinVar aggregate classification (germline): Uncertain significance. Review status: criteria provided, multiple submitters, no conflicts (2 of 4 stars). 2 submissions from 2 submitters: Uncertain significance (2). Last evaluated 2025-06-29.

Conditions:
Inborn genetic diseases. Identifiers: MedGen C0950123, MeSH D030342.

Allele frequency attached by ClinVar (database versions not stated): gnomAD exomes 0.00007 and 0.00022; gnomAD 0.00010; ExAC 0.00011; TOPMed 0.00011; 1000 Genomes Project 30x 0.00016.
gnomAD v4.1: 315 of 1,573,184 alleles (0.02%); highest among the groups gnomAD compares: Non-Finnish European, 0.027%; no homozygotes.

Submissions (2):

Ambry Genetics
Classification: Uncertain significance for Inborn genetic diseases. Last evaluated: 2025-06-29. Review status: criteria provided, single submitter. Criteria: Ambry Variant Classification Scheme 2023. Collection method: clinical testing. Allele origin: germline.

Labcorp Genetics (formerly Invitae), Labcorp
Classification: Uncertain significance. Last evaluated: 2022-07-05. Review status: criteria provided, single submitter. Criteria: Invitae Variant Classification Sherloc (09022015). Collection method: clinical testing. Allele origin: germline.
Comment: This sequence change replaces phenylalanine, which is neutral and non-polar, with isoleucine, which is neutral and non-polar, at codon 19 of the PRCD protein (p.Phe19Ile). This variant is present in population databases (rs199693977, gnomAD 0.02%). This variant has not been reported in the literature in individuals affected with PRCD-related conditions. ClinVar contains an entry for this variant (Variation ID: 1047492). Algorithms developed to predict the effect of missense changes on protein structure and function are either unavailable or do not agree on the potential impact of this missense change (SIFT: "Deleterious"; PolyPhen-2: "Possibly Damaging"; Align-GVGD: "Class C15"). In summary, the available evidence is currently insufficient to determine the role of this variant in disease. Therefore, it has been classified as a Variant of Uncertain Significance.

NM_001077620.3(PRCD):c.55T>A (p.Phe19Ile)

Genes: CYGB (cytoglobin; minus strand), PRCD (photoreceptor disc component; plus strand). Cytogenetic location: 17q25.1.
Variant type: single nucleotide variant.
Coding change: c.55T>A on transcript NM_001077620.3 (MANE Select); coding-DNA position 55, T replaced by A.
Protein change: p.Phe19Ile; replaces phenylalanine 19 with isoleucine.
Molecular consequence: missense variant.
Genome position (GRCh38, 1-based): chr17:76,540,196, T>A. VCF-style: chr17-76540196-T-A. GRCh37 (hg19) VCF-style: chr17-74536278-T-A.
Other names: c.55T>A (NM_001077620.2); short protein forms F19I.
Identifiers: ClinVar variation 1047492 (VCV001047492.5), dbSNP rs199693977, ClinGen allele CA8787810.